The following is an entry in ClinVar:

NM_001447.3(FAT2):c.4096C>T (p.His1366Tyr)

Genes: FAT2 (FAT atypical cadherin 2; minus strand), SLC36A1 (solute carrier family 36 member 1; plus strand). Cytogenetic location: 5q33.1.
Variant type: single nucleotide variant.
Coding change: c.4096C>T on transcript NM_001447.3 (MANE Select); coding-DNA position 4096, C replaced by T.
Protein change: p.His1366Tyr; replaces histidine 1366 with tyrosine.
Molecular consequence: missense variant.
Genome position (GRCh38, 1-based): chr5:151,553,237, G>A on the plus strand (C>T on the coding strand, the complement: FAT2 is on the minus strand). VCF-style: chr5-151553237-G-A. GRCh37 (hg19) VCF-style: chr5-150932798-G-A.
Other names: short protein forms H1366Y.
Identifiers: ClinVar variation 1955234 (VCV001955234.5), dbSNP rs776202546, ClinGen allele CA3521645.

ClinVar aggregate classification (germline): Uncertain significance (1 of 4 stars; one submission).

Allele frequency attached by ClinVar (database versions not stated): gnomAD exomes below 0.00001; ExAC 0.00001.
gnomAD v4.1: 1 of 1,614,252 alleles (0.000062%); highest among the groups gnomAD compares: Non-Finnish European, 0.000085%; no homozygotes.

Submission:

Labcorp Genetics (formerly Invitae), Labcorp
Classification: Uncertain significance. Last evaluated: 2022-08-20. Review status: criteria provided, single submitter. Criteria: Invitae Variant Classification Sherloc (09022015). Collection method: clinical testing. Allele origin: germline.
Comment: This sequence change replaces histidine, which is basic and polar, with tyrosine, which is neutral and polar, at codon 1366 of the FAT2 protein (p.His1366Tyr). In summary, the available evidence is currently insufficient to determine the role of this variant in disease. Therefore, it has been classified as a Variant of Uncertain Significance. Algorithms developed to predict the effect of missense changes on protein structure and function (SIFT, PolyPhen-2, Align-GVGD) all suggest that this variant is likely to be disruptive. This variant has not been reported in the literature in individuals affected with FAT2-related conditions. This variant is present in population databases (rs776202546, gnomAD 0.002%).